The following is an entry in ClinVar:

NM_182746.3(MCM4):c.1271C>T (p.Thr424Met)

Gene: MCM4 (minichromosome maintenance complex component 4; plus strand). Cytogenetic location: 8q11.21.
Variant type: single nucleotide variant.
Coding change: c.1271C>T on transcript NM_182746.3 (MANE Select); coding-DNA position 1271, C replaced by T.
Protein change: p.Thr424Met; replaces threonine 424 with methionine.
Molecular consequence: missense variant.
Genome position (GRCh38, 1-based): chr8:47,969,894, C>T. VCF-style: chr8-47969894-C-T. GRCh37 (hg19) VCF-style: chr8-48882454-C-T.
Other names: c.1271C>T, p.Thr424Met (NM_005914.4); short protein forms T424M.
Identifiers: ClinVar variation 1471566 (VCV001471566.5), dbSNP rs775449641, ClinGen allele CA4742577.

ClinVar aggregate classification (germline): Uncertain significance (1 of 4 stars; one submission).

Allele frequency attached by ClinVar (database versions not stated): gnomAD exomes below 0.00001; ExAC 0.00001; TOPMed 0.00001.
gnomAD v4.1: 11 of 1,614,180 alleles (0.00068%); highest among the groups gnomAD compares: African/African-American, 0.0027%; no homozygotes.

Submission:

Labcorp Genetics (formerly Invitae), Labcorp
Classification: Uncertain significance. Last evaluated: 2022-02-24. Review status: criteria provided, single submitter. Criteria: Invitae Variant Classification Sherloc (09022015). Collection method: clinical testing. Allele origin: germline.
Comment: This sequence change replaces threonine, which is neutral and polar, with methionine, which is neutral and non-polar, at codon 424 of the MCM4 protein (p.Thr424Met). This variant is present in population databases (rs775449641, gnomAD 0.003%). This variant has not been reported in the literature in individuals affected with MCM4-related conditions. Algorithms developed to predict the effect of missense changes on protein structure and function (SIFT, PolyPhen-2, Align-GVGD) all suggest that this variant is likely to be tolerated. In summary, the available evidence is currently insufficient to determine the role of this variant in disease. Therefore, it has been classified as a Variant of Uncertain Significance.